The following is an entry in ClinVar:

NM_139057.4(ADAMTS17):c.3202C>T (p.Gln1068Ter)

Gene: ADAMTS17 (ADAM metallopeptidase with thrombospondin type 1 motif 17; minus strand). Cytogenetic location: 15q26.3.
Variant type: single nucleotide variant.
Coding change: c.3202C>T on transcript NM_139057.4 (MANE Select); coding-DNA position 3202, C replaced by T.
Protein change: p.Gln1068Ter; replaces glutamine 1068 with a stop codon.
Molecular consequence: nonsense.
Genome position (GRCh38, 1-based): chr15:99,974,488, G>A on the plus strand (C>T on the coding strand, the complement: ADAMTS17 is on the minus strand). VCF-style: chr15-99974488-G-A. GRCh37 (hg19) VCF-style: chr15-100514693-G-A.
Other names: short protein forms Q1068*.
Identifiers: ClinVar variation 4776306 (VCV004776306.1).

ClinVar aggregate classification (germline): Uncertain significance (1 of 4 stars; one submission).

gnomAD v4.1: 26 of 1,614,242 alleles (0.0016%); highest among the groups gnomAD compares: Non-Finnish European, 0.0022%; no homozygotes.

Submission:

Labcorp Genetics (formerly Invitae), Labcorp
Classification: Uncertain significance. Last evaluated: 2025-11-20. Review status: criteria provided, single submitter. Criteria: Invitae Variant Classification Sherloc (09022015). Collection method: clinical testing. Allele origin: germline.
Comment: This sequence change creates a premature translational stop signal (p.Gln1068*) in the ADAMTS17 gene. While this is not anticipated to result in nonsense mediated decay, it is expected to disrupt the last 28 amino acid(s) of the ADAMTS17 protein. This variant is present in population databases (rs760023197, gnomAD 0.003%). This variant has not been reported in the literature in individuals affected with ADAMTS17-related conditions. Experimental studies and prediction algorithms are not available or were not evaluated, and the functional significance of this variant is currently unknown. In summary, the available evidence is currently insufficient to determine the role of this variant in disease. Therefore, it has been classified as a Variant of Uncertain Significance.